The following is an entry in ClinVar:

NM_017739.4(POMGNT1):c.1257G>A (p.Leu419=)

Genes: POMGNT1 (protein O-linked mannose N-acetylglucosaminyltransferase 1 (beta 1,2-); minus strand), TSPAN1 (tetraspanin 1; plus strand). Cytogenetic location: 1p34.1.
Variant type: single nucleotide variant.
Coding change: c.1257G>A on transcript NM_017739.4 (MANE Select); coding-DNA position 1257, G replaced by A.
Protein change: p.Leu419=; no amino-acid change (leucine 419 retained).
Molecular consequence: synonymous variant.
Genome position (GRCh38, 1-based): chr1:46,192,545, C>T on the plus strand (G>A on the coding strand, the complement: POMGNT1 is on the minus strand). VCF-style: chr1-46192545-C-T. GRCh37 (hg19) VCF-style: chr1-46658217-C-T.
Other names: p.L419L:CTG>CTA; p.Leu419=; c.1257G>A, p.Leu419= (NM_001243766.2, NM_001410783.1); c.1191G>A, p.Leu397= (NM_001290129.3); c.828G>A, p.Leu276= (NM_001290130.2).
Identifiers: ClinVar variation 130004 (VCV000130004.28), dbSNP rs41292143, ClinGen allele CA154740.

ClinVar aggregate classification (germline): Benign/Likely benign. Review status: criteria provided, multiple submitters, no conflicts (2 of 4 stars). 13 submissions from 12 submitters: Benign (5); Likely benign (3). 5 of the submissions do not count toward it. Last evaluated 2026-02-04.

Conditions:
Congenital Muscular Dystrophy, alpha-dystroglycan related.
Muscular dystrophy-dystroglycanopathy (congenital with impaired intellectual development), type B, 3. Also called: MUSCULAR DYSTROPHY, CONGENITAL, POMGNT1-RELATED; Muscular dystrophy-dystroglycanopathy (congenital with intellectual disability), type B3. Identifiers: MedGen C3150412, MONDO:0013155, OMIM 613151.
Autosomal recessive limb-girdle muscular dystrophy type 2O. Also called: MUSCULAR DYSTROPHY-DYSTROGLYCANOPATHY, LIMB-GIRDLE, POMGNT1-RELATED; MUSCULAR DYSTROPHY-DYSTROGLYCANOPATHY (LIMB-GIRDLE), TYPE C, 3; Limb-Girdle Muscular Dystrophy Type 3C. Identifiers: Orphanet 206564, MedGen C3150417, MONDO:0013161, OMIM 613157.
Muscle eye brain disease (MEB). Also called: Santavuori congenital muscular dystrophy. Identifiers: Orphanet 588, Orphanet 899, MedGen C0457133, MONDO:0018939.

Allele frequency attached by ClinVar (database versions not stated): 1000 Genomes Project 0.00280; 1000 Genomes Project 30x 0.00281; gnomAD exomes 0.00889 and 0.01700; ExAC 0.00901; TOPMed 0.00983; gnomAD 0.01031 and 0.01062; ESP Exome Variant Server 0.01230.
gnomAD v4.1: 26,117 of 1,614,166 alleles (1.6%); highest among the groups gnomAD compares: Non-Finnish European, 2.1%; 266 homozygotes.

Submissions (13):

Labcorp Genetics (formerly Invitae), Labcorp
Classification: Benign for Autosomal recessive limb-girdle muscular dystrophy type 2O; Muscular dystrophy-dystroglycanopathy (congenital with impaired intellectual development), type B, 3. Last evaluated: 2026-02-04. Review status: criteria provided, single submitter. Criteria: Invitae Variant Classification Sherloc (09022015). Collection method: clinical testing. Allele origin: germline.

Mayo Clinic Laboratories, Mayo Clinic
Classification: Benign. Last evaluated: 2018-08-01. Review status: criteria provided, single submitter. Criteria: ACMG Guidelines, 2015. Collection method: clinical testing. Allele origin: germline. Observed: 24 variant alleles.

Illumina Laboratory Services, Illumina
Classification: Likely benign for Autosomal recessive limb-girdle muscular dystrophy type 2O. Last evaluated: 2018-01-13. Review status: criteria provided, single submitter. Criteria: ICSL Variant Classification Criteria 13 December 2019. Collection method: clinical testing. Allele origin: germline.
Comment: This variant was observed in the ICSL laboratory as part of a predisposition screen in an ostensibly healthy population. It had not been previously curated by ICSL or reported in the Human Gene Mutation Database (HGMD: prior to June 1st, 2018), and was therefore a candidate for classification through an automated scoring system. Utilizing variant allele frequency, disease prevalence and penetrance estimates, and inheritance mode, an automated score was calculated to assess if this variant is too frequent to cause the disease. Based on the score and internal cut-off values, a variant classified as likely benign is not then subjected to further curation. The score for this variant resulted in a classification of likely benign for this disease.

Illumina Laboratory Services, Illumina
Classification: Likely benign for Congenital Muscular Dystrophy, alpha-dystroglycan related. Last evaluated: 2018-01-13. Review status: criteria provided, single submitter. Criteria: ICSL Variant Classification Criteria 13 December 2019. Collection method: clinical testing. Allele origin: germline.
Comment: the same text as in the submission from Illumina Laboratory Services, Illumina above.

Athena Diagnostics
Classification: Benign. Last evaluated: 2017-11-29. Review status: criteria provided, single submitter. Criteria: Athena Diagnostics Criteria. Collection method: clinical testing. Allele origin: germline.

GeneDx
Classification: Benign. Last evaluated: 2014-10-17. Review status: criteria provided, single submitter. Criteria: GeneDx Variant Classification (06012015). Collection method: clinical testing. Allele origin: germline. Affected: yes.
Comment: This variant is considered likely benign or benign based on one or more of the following criteria: it is a conservative change, it occurs at a poorly conserved position in the protein, it is predicted to be benign by multiple in silico algorithms, and/or has population frequency not consistent with disease.

Breakthrough Genomics
Classification: Likely benign. Review status: criteria provided, single submitter. Criteria: ACMG Guidelines, 2015. Collection method: not provided. Allele origin: germline. Inheritance: Autosomal recessive inheritance. Affected: yes.

PreventionGenetics, part of Exact Sciences
Classification: Benign. Review status: criteria provided, single submitter. Criteria: ACMG Guidelines, 2015. Collection method: clinical testing. Allele origin: germline.

Natera, Inc.
Classification: Benign for Muscle-eye-brain disease. Last evaluated: 2020-09-16. Review status: no assertion criteria provided. Collection method: clinical testing. Allele origin: germline. Not counted in ClinVar's aggregate classification.

Clinical Genetics DNA and cytogenetics Diagnostics Lab, Erasmus MC, Erasmus Medical Center
Classification: Benign. Review status: no assertion criteria provided. Collection method: clinical testing. Allele origin: germline. Affected: yes. Study: VKGL Data-share Consensus. Not counted in ClinVar's aggregate classification.

Clinical Genetics, Academic Medical Center
Classification: Benign. Review status: no assertion criteria provided. Collection method: clinical testing. Allele origin: germline. Affected: yes. Study: VKGL Data-share Consensus. Not counted in ClinVar's aggregate classification.

Genetic Services Laboratory, University of Chicago
Classification: Likely benign for AllHighlyPenetrant. Review status: no assertion criteria provided. Collection method: clinical testing. Allele origin: germline. Inheritance: Autosomal recessive inheritance. Not counted in ClinVar's aggregate classification.
Comment: Likely benign based on allele frequency in 1000 Genomes Project or ESP global frequency and its presence in a patient with a rare or unrelated disease phenotype. NOT Sanger confirmed.

Laboratory of Diagnostic Genome Analysis, Leiden University Medical Center (LUMC)
Classification: Likely benign. Review status: no assertion criteria provided. Collection method: clinical testing. Allele origin: germline. Affected: yes. Study: VKGL Data-share Consensus. Not counted in ClinVar's aggregate classification.